The following is an entry in ClinVar:

ClinVar aggregate classification (germline): Pathogenic/Likely pathogenic. Review status: criteria provided, multiple submitters, no conflicts (2 of 4 stars). 3 submissions from 3 submitters: Pathogenic (1); Likely pathogenic (1). 1 of the submissions does not count toward it. Last evaluated 2025-08-02.

Conditions:
MYPN-related disorder. Also called: MYPN-related condition.
Dilated cardiomyopathy 1KK (CMD1KK). Identifiers: Orphanet 154, Orphanet 75249, MedGen C3714995, MONDO:0014100, OMIM 615248.

Submissions (3):

Labcorp Genetics (formerly Invitae), Labcorp
Classification: Pathogenic for Dilated cardiomyopathy 1KK. Last evaluated: 2025-08-02. Review status: criteria provided, single submitter. Criteria: Invitae Variant Classification Sherloc (09022015). Collection method: clinical testing. Allele origin: germline.
Comment: This sequence change creates a premature translational stop signal (p.Val149Serfs*5) in the MYPN gene. It is expected to result in an absent or disrupted protein product. Loss-of-function variants in MYPN are known to be pathogenic (PMID: 28017374). This variant is present in population databases (no rsID available, gnomAD 0.0009%). This premature translational stop signal has been observed in individual(s) with MYPN-related conditions (PMID: 33662488). ClinVar contains an entry for this variant (Variation ID: 3030334). For these reasons, this variant has been classified as Pathogenic.

Blueprint Genetics
Classification: Likely pathogenic for MYPN-related disorders. Last evaluated: 2020-05-11. Review status: criteria provided, single submitter. Criteria: ACMG Guidelines, 2015. Collection method: clinical testing. Allele origin: germline. Affected: yes. Observed: 1 variant allele.

PreventionGenetics, part of Exact Sciences
Classification: Likely pathogenic for MYPN-related condition. Last evaluated: 2023-12-21. Review status: no assertion criteria provided. Collection method: clinical testing. Allele origin: germline. Not counted in ClinVar's aggregate classification.
Comment: The MYPN c.444dupA variant is predicted to result in a frameshift and premature protein termination (p.Val149Serfs*5). This variant was reported in an individual with left ventricular non compaction (LVNC) (Alimohamed et al. 2021. PubMed ID: 33662488). This variant is reported in 0.00088% of alleles in individuals of European (Non-Finnish) descent in gnomAD. Frameshift variants in MYPN are expected to be pathogenic. This variant is interpreted as likely pathogenic. Of note, premature termination variants of this gene are well-established to cause autosomal recessive nemaline myopathy (Miyatake et al. 2017. PubMed ID: 28017374), but the evidence is insufficient for association with autosomal dominant myopathy.

Literature cited by the submitters: PubMed 28017374 (cited by Labcorp Genetics (formerly Invitae), Labcorp); PubMed 33662488 (cited by Labcorp Genetics (formerly Invitae), Labcorp).

NM_032578.4(MYPN):c.444dup (p.Val149fs)

Gene: MYPN (myopalladin; plus strand). Cytogenetic location: 10q21.3.
Variant type: Duplication.
Coding change: c.444dup on transcript NM_032578.4 (MANE Select); coding-DNA position 444, one base duplicated (A; older notation c.444dupA).
Protein change: p.Val149fs; shifts the reading frame from valine 149.
Molecular consequence: frameshift variant. On other transcripts: 5 prime UTR variant (1), non-coding transcript variant (1).
Genome position (GRCh38, 1-based): chr10:68,121,882, A duplicated; the last of 6 consecutive A bases (chr10:68,121,877-68,121,882); duplicating any one gives the same sequence. VCF-style (leftmost placement, unchanged base first): chr10-68121876-C-CA. GRCh37 (hg19) VCF-style: chr10-69881633-C-CA.
Other names: c.444dupA (NM_032578.3); c.444dup, p.Val149fs (NM_001256267.2); c.-679dup (NM_001256268.2); short protein forms V149fs.
Identifiers: ClinVar variation 3030334 (VCV003030334.4), dbSNP rs1298376008, ClinGen allele CA594256702.